The following is an entry in ClinVar:

ClinVar aggregate classification (germline): Uncertain significance (0 of 4 stars; one submission).

Conditions:
CEP290-related disorder. Also called: CEP290-related condition; CEP290-related disorders. Identifiers: MedGen CN239314.

gnomAD v4.1: 2 of 1,556,390 alleles (0.00013%); highest among the groups gnomAD compares: African/African-American, 0.0027%; no homozygotes.

Submission:

PreventionGenetics, part of Exact Sciences
Classification: Uncertain significance for CEP290-related condition. Last evaluated: 2023-12-15. Review status: no assertion criteria provided. Collection method: clinical testing. Allele origin: germline.
Comment: The CEP290 c.2287A>C variant is predicted to result in the amino acid substitution p.Ile763Leu. To our knowledge, this variant has not been reported in the literature. This variant is reported in 0.023% of alleles in individuals of African descent in gnomAD. At this time, the clinical significance of this variant is uncertain due to the absence of conclusive functional and genetic evidence.

NM_025114.4(CEP290):c.2287A>C (p.Ile763Leu)

Gene: CEP290 (centrosomal protein 290; minus strand). Cytogenetic location: 12q21.32.
Variant type: single nucleotide variant.
Coding change: c.2287A>C on transcript NM_025114.4 (MANE Select); coding-DNA position 2287, A replaced by C.
Protein change: p.Ile763Leu; replaces isoleucine 763 with leucine.
Molecular consequence: missense variant.
Genome position (GRCh38, 1-based): chr12:88,111,282, T>G on the plus strand (A>C on the coding strand, the complement: CEP290 is on the minus strand). VCF-style: chr12-88111282-T-G. GRCh37 (hg19) VCF-style: chr12-88505059-T-G.
Other names: short protein forms I763L.
Identifiers: ClinVar variation 3351971 (VCV003351971.1).